The following is an entry in ClinVar:

NM_006892.4(DNMT3B):c.2044T>G (p.Ser682Ala)

Gene: DNMT3B (DNA methyltransferase 3 beta; plus strand). Cytogenetic location: 20q11.21.
Variant type: single nucleotide variant.
Coding change: c.2044T>G on transcript NM_006892.4 (MANE Select); coding-DNA position 2044, T replaced by G.
Protein change: p.Ser682Ala; replaces serine 682 with alanine.
Molecular consequence: missense variant.
Genome position (GRCh38, 1-based): chr20:32,801,325, T>G. VCF-style: chr20-32801325-T-G. GRCh37 (hg19) VCF-style: chr20-31389131-T-G.
Other names: c.1984T>G, p.Ser662Ala (NM_175849.2, NM_175848.2); c.2020T>G, p.Ser674Ala (NM_175850.3); c.1858T>G, p.Ser620Ala (NM_001207055.2); c.1756T>G, p.Ser586Ala (NM_001207056.2); c.2044T>G (NM_006892.3); short protein forms S586A, S674A, S682A, S620A, S662A.
Identifiers: ClinVar variation 1418286 (VCV001418286.7), dbSNP rs1186097689, ClinGen allele CA408589168.
Genomic context (GRCh38, chr20:32,801,325, plus strand): 5'-TTTCTGAGCACAGAGGGTACAGGCCGGCTCTTCTTCGAATTTTACCACCTGCTGAATTAC[T>G]CACGCCCCAAGGAGGGTGATGACCGGCCGTTCTTCTGGATGTTTGAGAATGTTGTAGCCA-3'
Protein context (NP_008823.1, residues 672-692): FFEFYHLLNY[Ser682Ala]RPKEGDDRPF

ClinVar aggregate classification (germline): Uncertain significance. Review status: criteria provided, multiple submitters, no conflicts (2 of 4 stars). 2 submissions from 2 submitters: Uncertain significance (2). Last evaluated 2025-08-22.

Conditions:
Inborn genetic diseases. Identifiers: MedGen C0950123, MeSH D030342.
Centromeric instability of chromosomes 1,9 and 16 and immunodeficiency (ICF1). Also called: IMMUNE DEFICIENCY, VARIABLE, WITH CENTROMERIC INSTABILITY OF CHROMOSOMES 1, 9, AND 16; IMMUNODEFICIENCY SYNDROME, VARIABLE; Immunodeficiency-centromeric instability-facial anomalies; CENTROMERIC INSTABILITY, IMMUNODEFICIENCY SYNDROME. Identifiers: Orphanet 2268, MedGen C0398788, MONDO:0000133.

Allele frequency attached by ClinVar (database versions not stated): TOPMed below 0.00001; gnomAD 0.00001.
gnomAD v4.1: 1 of 1,614,076 alleles (0.000062%); highest among the groups gnomAD compares: Non-Finnish European, 0.000085%; no homozygotes.

Submissions (2):

Ambry Genetics
Classification: Uncertain significance for Inborn genetic diseases. Last evaluated: 2025-08-22. Review status: criteria provided, single submitter. Criteria: Ambry Variant Classification Scheme 2023. Collection method: clinical testing. Allele origin: germline.

Labcorp Genetics (formerly Invitae), Labcorp
Classification: Uncertain significance for Centromeric instability of chromosomes 1,9 and 16 and immunodeficiency. Last evaluated: 2021-05-13. Review status: criteria provided, single submitter. Criteria: Invitae Variant Classification Sherloc (09022015). Collection method: clinical testing. Allele origin: germline.
Comment: In summary, the available evidence is currently insufficient to determine the role of this variant in disease. Therefore, it has been classified as a Variant of Uncertain Significance. Algorithms developed to predict the effect of missense changes on protein structure and function output the following: SIFT: "Tolerated"; PolyPhen-2: "Benign"; Align-GVGD: "Class C0". The alanine amino acid residue is found in multiple mammalian species, suggesting that this missense change does not adversely affect protein function. These predictions have not been confirmed by published functional studies and their clinical significance is uncertain. This variant has not been reported in the literature in individuals with DNMT3B-related conditions. This variant is not present in population databases (ExAC no frequency). This sequence change replaces serine with alanine at codon 682 of the DNMT3B protein (p.Ser682Ala). The serine residue is weakly conserved and there is a moderate physicochemical difference between serine and alanine.